The following is an entry in ClinVar:

NM_001042432.2(CLN3):c.295-127C>T

Gene: CLN3 (CLN3 lysosomal/endosomal transmembrane protein, battenin; minus strand). Cytogenetic location: 16p12.1.
Variant type: single nucleotide variant.
Coding change: c.295-127C>T on transcript NM_001042432.2 (MANE Select); 127 bases into the intron before coding-DNA position 295, C replaced by T.
Molecular consequence: intron variant.
Genome position (GRCh38, 1-based): chr16:28,487,868, G>A on the plus strand (C>T on the coding strand, the complement: CLN3 is on the minus strand). VCF-style: chr16-28487868-G-A. GRCh37 (hg19) VCF-style: chr16-28499189-G-A.
Other names: c.61-127C>T (NM_001286109.2); c.223-127C>T (NM_001286104.2); c.75-327C>T (NM_001286105.2); c.133-127C>T (NM_001286110.2); c.295-127C>T (NM_000086.2).
Identifiers: ClinVar variation 677582 (VCV000677582.1), dbSNP rs28452476, ClinGen allele CA279785608.

ClinVar aggregate classification (germline): Likely benign (1 of 4 stars; one submission).

Allele frequency attached by ClinVar (database versions not stated): gnomAD 0.01104 and 0.01175; TOPMed 0.01269; 1000 Genomes Project 0.01318; 1000 Genomes Project 30x 0.01468.
gnomAD v4.1: 2,450 of 747,052 alleles (0.33%); highest among the groups gnomAD compares: African/African-American, 3.7%; 39 homozygotes.

Submission:

GeneDx
Classification: Likely benign. Last evaluated: 2018-06-19. Review status: criteria provided, single submitter. Criteria: GeneDx Variant Classification (06012015). Collection method: clinical testing. Allele origin: germline. Affected: yes.
Comment: This variant is considered likely benign or benign based on one or more of the following criteria: it is a conservative change, it occurs at a poorly conserved position in the protein, it is predicted to be benign by multiple in silico algorithms, and/or has population frequency not consistent with disease.